The following is an entry in ClinVar:

ClinVar aggregate classification (germline): Pathogenic/Likely pathogenic. Review status: criteria provided, multiple submitters, no conflicts (2 of 4 stars). 2 submissions from 2 submitters: Pathogenic (1); Likely pathogenic (1). Last evaluated 2024-04-16.

Submissions (2):

Labcorp Genetics (formerly Invitae), Labcorp
Classification: Pathogenic. Last evaluated: 2024-04-16. Review status: criteria provided, single submitter. Criteria: Invitae Variant Classification Sherloc (09022015). Collection method: clinical testing. Allele origin: germline.
Comment: This sequence change creates a premature translational stop signal (p.Cys450*) in the FZD4 gene. While this is not anticipated to result in nonsense mediated decay, it is expected to disrupt the last 88 amino acid(s) of the FZD4 protein. This variant is not present in population databases (gnomAD no frequency). This premature translational stop signal has been observed in individuals with familial exudative vitreoretinopathy (PMID: 35328049, 35951321). It has also been observed to segregate with disease in related individuals. ClinVar contains an entry for this variant (Variation ID: 2573692). Algorithms developed to predict the effect of variants on protein structure and function are not available or were not evaluated for this variant. Experimental studies have shown that this premature translational stop signal affects FZD4 function (PMID: 35951321). Algorithms developed to predict the effect of sequence changes on RNA splicing suggest that this variant may create or strengthen a splice site. This variant disrupts a region of the FZD4 protein in which other variant(s) (p.Gln505*) have been determined to be pathogenic (PMID: 15223780). This suggests that this is a clinically significant region of the protein, and that variants that disrupt it are likely to be disease-causing. For these reasons, this variant has been classified as Pathogenic.

GeneDx
Classification: Likely pathogenic. Last evaluated: 2023-01-13. Review status: criteria provided, single submitter. Criteria: GeneDx Variant Classification Process June 2021. Collection method: clinical testing. Allele origin: germline. Affected: yes.
Comment: Nonsense variant predicted to result in protein truncation, as the last 88 amino acids are lost, and other loss-of-function variants have been reported downstream in HGMD; Not observed at significant frequency in large population cohorts (gnomAD); This variant is associated with the following publications: (PMID: 35328049)

Literature cited by the submitters: PubMed 35328049 (cited by Labcorp Genetics (formerly Invitae), Labcorp); PubMed 35951321 (cited by Labcorp Genetics (formerly Invitae), Labcorp); PubMed 15223780 (cited by Labcorp Genetics (formerly Invitae), Labcorp).

NM_012193.4(FZD4):c.1350T>A (p.Cys450Ter)

Genes: FZD4 (frizzled class receptor 4; minus strand), PRSS23 (serine protease 23; plus strand). Cytogenetic location: 11q14.2.
Variant type: single nucleotide variant.
Coding change: c.1350T>A on transcript NM_012193.4 (MANE Select); coding-DNA position 1350, T replaced by A.
Protein change: p.Cys450Ter; replaces cysteine 450 with a stop codon.
Molecular consequence: nonsense. On other transcripts: non-coding transcript variant (2).
Genome position (GRCh38, 1-based): chr11:86,951,406, A>T on the plus strand (T>A on the coding strand, the complement: FZD4 is on the minus strand). VCF-style: chr11-86951406-A-T. GRCh37 (hg19) VCF-style: chr11-86662448-A-T.
Other names: short protein forms C450*.
Identifiers: ClinVar variation 2573692 (VCV002573692.3), dbSNP rs2495865692, ClinGen allele CA382011596.
Genomic context (GRCh38, chr11:86,951,406, plus strand): 5'-ATCTGCAGAATACCGAAAAAGTGCCCAGTTGGAGATTTCATAAAAATAACAGGCAATCAC[A>T]CACGTTGCAGGAACTGTGTACAGTACTGAGAACACCCCAATCTTGACCATCAGTCTTTCT-3'